The following is an entry in ClinVar:

ClinVar aggregate classification (germline): Pathogenic/Likely pathogenic. Review status: criteria provided, multiple submitters, no conflicts (2 of 4 stars). 3 submissions from 3 submitters: Pathogenic (2); Likely pathogenic (1). Last evaluated 2025-11-24.

Conditions:
Hemochromatosis type 2A (HFE2A). Also called: Adult-Onset Hemochromatosis; HJV (HFE2)-Related Juvenile Hemochromatosis. Identifiers: Orphanet 79230, MedGen C1865614, MONDO:0011216, OMIM 602390.

Allele frequency attached by ClinVar (database versions not stated): gnomAD 0.00001; gnomAD exomes 0.00003 and 0.00005; ExAC 0.00008.

Submissions (3):

Natera, Inc.
Classification: Likely pathogenic for Hemochromatosis type 2A. Last evaluated: 2025-11-24. Review status: criteria provided, single submitter. Criteria: Natera Variant Classification Schema (03/2026). Collection method: clinical testing. Allele origin: germline.
Comment: The c.59dupT variant in HJV is a frameshift variant predicted to shift the reading frame beginning at codon 21 and leads to a stop codon 25 codons downstream. This variant is expected to result in nonsense mediated decay, truncation, or a dysfunctional protein product. This variant is rare in the general population with a frequency below the threshold expected for the associated phenotype(s). Given the available evidence, this variant is classified as Likely Pathogenic.

Labcorp Genetics (formerly Invitae), Labcorp
Classification: Pathogenic. Last evaluated: 2025-10-24. Review status: criteria provided, single submitter. Criteria: Invitae Variant Classification Sherloc (09022015). Collection method: clinical testing. Allele origin: germline.
Comment: This sequence change creates a premature translational stop signal (p.Ser21Lysfs*25) in the HJV gene. It is expected to result in an absent or disrupted protein product. Loss-of-function variants in HJV are known to be pathogenic (PMID: 20301349, 22408404). This variant is present in population databases (rs782164742, gnomAD 0.04%), including at least one homozygous and/or hemizygous individual. This variant has not been reported in the literature in individuals affected with HJV-related conditions. ClinVar contains an entry for this variant (Variation ID: 1070644). For these reasons, this variant has been classified as Pathogenic.

Women's Health and Genetics/Laboratory Corporation of America, LabCorp
Classification: Pathogenic for Hemochromatosis type 2A. Last evaluated: 2023-08-25. Review status: criteria provided, single submitter. Criteria: LabCorp Variant Classification Summary - May 2015. Collection method: clinical testing. Allele origin: germline.
Comment: Variant summary: HJV c.59dupT (p.Ser21LysfsX25) results in a premature termination codon, predicted to cause a truncation of the encoded protein or absence of the protein due to nonsense mediated decay, which are commonly known mechanisms for disease. Variants downstream of this position have been classified as pathogenic by our laboratory and in ClinVar. The variant was absent in 251446 control chromosomes (gnomAD). To our knowledge, no occurrence of c.59dupT in individuals affected with Hemochromatosis Type 2A and no experimental evidence demonstrating its impact on protein function have been reported. One submitter has cited clinical-significance assessments for this variant to ClinVar after 2014 and has classified the variant as pathogenic. Based on the evidence outlined above, the variant was classified as pathogenic.

Literature cited by the submitters: PubMed 20301349 (cited by Labcorp Genetics (formerly Invitae), Labcorp); PubMed 22408404 (cited by Labcorp Genetics (formerly Invitae), Labcorp); PubMed 26633544 (cited by Women's Health and Genetics/Laboratory Corporation of America, LabCorp).

NM_213653.4(HJV):c.59dup (p.Ser21fs)

Gene: HJV (hemojuvelin BMP co-receptor; minus strand). Cytogenetic location: 1q21.1.
Variant type: Duplication.
Coding change: c.59dup on transcript NM_213653.4 (MANE Select); coding-DNA position 59, one base duplicated (T; older notation c.59dupT).
Protein change: p.Ser21fs; shifts the reading frame from serine 21.
Molecular consequence: frameshift variant. On other transcripts: 5 prime UTR variant (1), intron variant (3).
Genome position (GRCh38, 1-based): chr1:146,020,173, A duplicated on the plus strand (T on the coding strand, the reverse complement: HJV is on the minus strand). VCF-style (leftmost placement, unchanged base first): chr1-146020172-T-TA. GRCh37 (hg19) VCF-style: chr1-145414839-C-CT.
Other names: c.-97dup (NM_001316767.2); c.59dup, p.Ser21fs (NM_001379352.1); c.-22+1414dup (NM_213652.4); c.-58-439dup (NM_202004.4); c.-242-439dup (NM_145277.5); short protein forms S21fs.
Identifiers: ClinVar variation 1070644 (VCV001070644.10), dbSNP rs782164742, ClinGen allele CA1053729.